The following is an entry in ClinVar:

NM_001009944.3(PKD1):c.7298T>G (p.Leu2433Arg)

Gene: PKD1 (polycystin 1, transient receptor potential channel interacting; minus strand). Cytogenetic location: 16p13.3.
Variant type: single nucleotide variant.
Coding change: c.7298T>G on transcript NM_001009944.3 (MANE Select); coding-DNA position 7298, T replaced by G.
Protein change: p.Leu2433Arg; replaces leucine 2433 with arginine.
Molecular consequence: missense variant.
Genome position (GRCh38, 1-based): chr16:2,106,589, A>C on the plus strand (T>G on the coding strand, the complement: PKD1 is on the minus strand). VCF-style: chr16-2106589-A-C. GRCh37 (hg19) VCF-style: chr16-2156590-A-C.
Other names: c.7298T>G, p.Leu2433Arg (NM_000296.4); short protein forms L2433R.
Identifiers: ClinVar variation 3381960 (VCV003381960.3).

ClinVar aggregate classification (germline): Conflicting classifications of pathogenicity. Review status: criteria provided, conflicting classifications (1 of 4 stars). 2 submissions from 2 submitters: Likely pathogenic (1); Uncertain significance (1). Last evaluated 2025-02-11.

Conditions:
PKD1-related disorder. Also called: PKD1-related condition.
Polycystic kidney disease, adult type (PKD1). Also called: POLYCYSTIC KIDNEY DISEASE, ADULT, TYPE I; Polycystic Kidney Disease 1, Autosomal Dominant; Polycystic kidney disease 1; Polycystic kidney disease 1, severe; Polycystic Kidney, Autosomal Dominant; POLYCYSTIC KIDNEY DISEASE 1 WITH OR WITHOUT POLYCYSTIC LIVER DISEASE. Identifiers: MedGen C3149841, MONDO:0008263, OMIM 173900.

Submissions (2):

PreventionGenetics, part of Exact Sciences
Classification: Uncertain significance for PKD1-related condition. Last evaluated: 2025-02-11. Review status: criteria provided, single submitter. Criteria: ACMG Guidelines, 2015. Collection method: clinical testing. Allele origin: germline.
Comment: The PKD1 c.7298T>G variant is predicted to result in the amino acid substitution p.Leu2433Arg. This variant was reported in an individual with autosomal dominant polycystic kidney disease (ADPKD) (Table S2, Kurashige et al. 2015. PubMed ID: 24611717). This variant has not been reported in a large population database (gnomAD), indicating this variant is rare. Although we suspect that this variant may be pathogenic, at this time, the clinical significance of this variant is uncertain due to the absence of conclusive functional and genetic evidence.

Juno Genomics, Hangzhou Juno Genomics, Inc
Classification: Likely pathogenic for Polycystic kidney disease, adult type. Review status: criteria provided, single submitter. Criteria: ACMG Guidelines, 2015. Collection method: clinical testing. Allele origin: germline. Affected: yes.
Comment: Absent from controls (or at extremely low frequency if recessive) in Genome Aggregation Database, Exome Sequencing Project, 1000 Genomes Project, or Exome Aggregation Consortium.;The prevalence of the variant in affected individuals is significantly increased compared to the prevalence in controls.;Patient's phenotype or family history is highly specific for a disease with a single genetic etiology.;Multiple lines of computational evidence support a deleterious effect on the gene or gene product (conservation, evolutionary, splicing impact, etc).